The following is an entry in ClinVar:

ClinVar aggregate classification (germline): Conflicting classifications of pathogenicity. Review status: criteria provided, conflicting classifications (1 of 4 stars). 3 submissions from 3 submitters: Uncertain significance (1); Likely benign (1). 1 of the submissions does not count toward it. Last evaluated 2025-11-13.

Conditions:
Inborn genetic diseases. Identifiers: MedGen C0950123, MeSH D030342.
SETD1A-related disorder. Also called: SETD1A-related condition.

Allele frequency attached by ClinVar (database versions not stated): ExAC 0.00002; gnomAD 0.00005; TOPMed 0.00008.
gnomAD v4.1: 102 of 1,611,062 alleles (0.0063%); highest among the groups gnomAD compares: African/African-American, 0.008%; no homozygotes.

Submissions (3):

Women's Health and Genetics/Laboratory Corporation of America, LabCorp
Classification: Uncertain significance. Last evaluated: 2025-11-13. Review status: criteria provided, single submitter. Criteria: LabCorp Variant Classification Summary - May 2015. Collection method: clinical testing. Allele origin: germline.
Comment: Variant summary: SETD1A c.638C>T (p.Thr213Met) results in a non-conservative amino acid change in the encoded protein sequence. Algorithms developed to predict the effect of missense changes on protein structure and function all suggest that this variant is likely to be disruptive. Consensus agreement among computation tools predict no significant impact on normal splicing. However, these predictions have yet to be confirmed by functional studies. The variant allele was found at a frequency of 3.6e-05 in 248648 control chromosomes. The available data on variant occurrences in the general population are insufficient to allow any conclusion about variant significance. To our knowledge, no occurrence of c.638C>T in individuals affected with SETD1A-related conditions and no experimental evidence demonstrating its impact on protein function have been reported. ClinVar contains an entry for this variant (Variation ID: 2525916). Based on the evidence outlined above, the variant was classified as uncertain significance.

Ambry Genetics
Classification: Likely benign for Inborn genetic diseases. Last evaluated: 2023-04-17. Review status: criteria provided, single submitter. Criteria: Ambry Variant Classification Scheme 2023. Collection method: clinical testing. Allele origin: germline.

PreventionGenetics, part of Exact Sciences
Classification: Likely benign for SETD1A-related condition. Last evaluated: 2023-12-07. Review status: no assertion criteria provided. Collection method: clinical testing. Allele origin: germline. Not counted in ClinVar's aggregate classification.
Comment: This variant is classified as likely benign based on ACMG/AMP sequence variant interpretation guidelines (Richards et al. 2015 PMID: 25741868, with internal and published modifications).

NM_014712.3(SETD1A):c.638C>T (p.Thr213Met)

Gene: SETD1A (SET domain containing 1A, histone lysine methyltransferase; plus strand). Cytogenetic location: 16p11.2.
Variant type: single nucleotide variant.
Coding change: c.638C>T on transcript NM_014712.3 (MANE Select); coding-DNA position 638, C replaced by T.
Protein change: p.Thr213Met; replaces threonine 213 with methionine.
Molecular consequence: missense variant.
Genome position (GRCh38, 1-based): chr16:30,963,553, C>T. VCF-style: chr16-30963553-C-T. GRCh37 (hg19) VCF-style: chr16-30974874-C-T.
Other names: c.638C>T (NM_014712.2); short protein forms T213M.
Identifiers: ClinVar variation 2525916 (VCV002525916.5), dbSNP rs202159067, ClinGen allele CA8016426.